The following is an entry in ClinVar:

NM_014003.4(DHX38):c.2146A>G (p.Ser716Gly)

Gene: DHX38 (DEAH-box helicase 38; plus strand). Cytogenetic location: 16q22.2.
Variant type: single nucleotide variant.
Coding change: c.2146A>G on transcript NM_014003.4 (MANE Select); coding-DNA position 2146, A replaced by G.
Protein change: p.Ser716Gly; replaces serine 716 with glycine.
Molecular consequence: missense variant.
Genome position (GRCh38, 1-based): chr16:72,104,621, A>G. VCF-style: chr16-72104621-A-G. GRCh37 (hg19) VCF-style: chr16-72138520-A-G.
Other names: short protein forms S716G.
Identifiers: ClinVar variation 1944843 (VCV001944843.5), dbSNP rs2507107619, ClinGen allele CA396710862.

ClinVar aggregate classification (germline): Uncertain significance (1 of 4 stars; one submission).

Allele frequency attached by ClinVar (database versions not stated): gnomAD exomes 0.00001.
gnomAD v4.1: 5 of 1,614,136 alleles (0.00031%); highest among the groups gnomAD compares: Non-Finnish European, 0.00042%; no homozygotes.

Submission:

Labcorp Genetics (formerly Invitae), Labcorp
Classification: Uncertain significance. Last evaluated: 2023-04-24. Review status: criteria provided, single submitter. Criteria: Invitae Variant Classification Sherloc (09022015). Collection method: clinical testing. Allele origin: germline.
Comment: This variant has not been reported in the literature in individuals affected with DHX38-related conditions. ClinVar contains an entry for this variant (Variation ID: 1944843). Advanced modeling of protein sequence and biophysical properties (such as structural, functional, and spatial information, amino acid conservation, physicochemical variation, residue mobility, and thermodynamic stability) performed at Invitae indicates that this missense variant is not expected to disrupt DHX38 protein function. In summary, the available evidence is currently insufficient to determine the role of this variant in disease. Therefore, it has been classified as a Variant of Uncertain Significance. This variant is not present in population databases (gnomAD no frequency). This sequence change replaces serine, which is neutral and polar, with glycine, which is neutral and non-polar, at codon 716 of the DHX38 protein (p.Ser716Gly).